The following is an entry in ClinVar:

ClinVar aggregate classification (germline): Uncertain significance (1 of 4 stars; one submission).

Conditions:
Hereditary cancer-predisposing syndrome. Also called: Tumor predisposition; Neoplastic Syndromes, Hereditary; Hereditary neoplastic syndrome; Hereditary Cancer Syndrome. Identifiers: Orphanet 140162, MedGen C0027672, MeSH D009386, MONDO:0015356.

Submission:

Ambry Genetics
Classification: Uncertain significance for Hereditary cancer-predisposing syndrome. Last evaluated: 2025-08-27. Review status: criteria provided, single submitter. Criteria: Ambry Variant Classification Scheme 2023. Collection method: clinical testing. Allele origin: germline.
Comment: The p.V443A variant (also known as c.1328T>C), located in coding exon 14 of the MUTYH gene, results from a T to C substitution at nucleotide position 1328. The valine at codon 443 is replaced by alanine, an amino acid with similar properties. This amino acid position is conserved. In addition, the in silico prediction for this alteration is inconclusive. Based on the available evidence, the clinical significance of this variant remains unclear.

NM_001048174.2(MUTYH):c.1244T>C (p.Val415Ala)

Gene: MUTYH (mutY DNA glycosylase; minus strand). Cytogenetic location: 1p34.1.
Variant type: single nucleotide variant.
Coding change: c.1244T>C on transcript NM_001048174.2 (MANE Select); coding-DNA position 1244, T replaced by C.
Protein change: p.Val415Ala; replaces valine 415 with alanine.
Molecular consequence: missense variant. On other transcripts: non-coding transcript variant (7).
Genome position (GRCh38, 1-based): chr1:45,331,330, A>G on the plus strand (T>C on the coding strand, the complement: MUTYH is on the minus strand). VCF-style: chr1-45331330-A-G. GRCh37 (hg19) VCF-style: chr1-45797002-A-G.
Other names: c.1277T>C, p.Val426Ala (NM_001293191.2, NM_001407069.1, NM_001407077.1); c.968T>C, p.Val323Ala (NM_001293192.2, NM_001293196.2, NM_001407091.1); c.1244T>C, p.Val415Ala (NM_001293195.2, NM_001407070.1, NM_001407088.1 and 6 more transcripts); c.899T>C, p.Val300Ala (NM_001350650.2, NM_001350651.2, NM_001407082.1); c.1247T>C, p.Val416Ala (NM_001407071.1, NM_001407086.1, NM_001048172.2 and 1 more transcripts); c.1286T>C, p.Val429Ala (NM_001407085.1, NM_001407083.1); c.1265T>C, p.Val422Ala (NM_001407087.1); c.1319T>C, p.Val440Ala (NM_012222.3); and 5 more; short protein forms V387A, V422A, V429A, V300A, V402A, V430A, V323A, V401A.
Identifiers: ClinVar variation 4113178 (VCV004113178.1).
Genomic context (GRCh38, chr1:45,331,330, plus strand): 5'-TGCCCTTCCAAGGCCAGCCCATATACTTGATATGTCAGCTTGATGTGAGAGAAGGTGTGG[A>G]CAACCTGGAGGAAGGGTCAAGGGGTTCAAATAGGCCTGTGGATATAGCCTCAAAAGCCAA-3'
Protein context (NP_001041639.1, residues 405-425): ATHLRHLGEV[Val415Ala]HTFSHIKLTY